The following is an entry in ClinVar:

NM_001195129.2(PRSS56):c.733G>A (p.Glu245Lys)

Gene: PRSS56 (serine protease 56; plus strand). Cytogenetic location: 2q37.1.
Variant type: single nucleotide variant.
Coding change: c.733G>A on transcript NM_001195129.2 (MANE Select); coding-DNA position 733, G replaced by A.
Protein change: p.Glu245Lys; replaces glutamic acid 245 with lysine.
Molecular consequence: missense variant.
Genome position (GRCh38, 1-based): chr2:232,523,086, G>A. VCF-style: chr2-232523086-G-A. GRCh37 (hg19) VCF-style: chr2-233387796-G-A.
Other names: c.733G>A, p.Glu245Lys (NM_001369848.1); short protein forms E245K.
Identifiers: ClinVar variation 1428298 (VCV001428298.8), dbSNP rs1034582810, ClinGen allele CA66948654.

ClinVar aggregate classification (germline): Uncertain significance (1 of 4 stars; one submission).

Conditions:
Isolated microphthalmia 6. Also called: MICROPHTHALMIA, POSTERIOR NONSYNDROMIC. Identifiers: Orphanet 2542, MedGen C3150757, MONDO:0013293, OMIM 613517.

Allele frequency attached by ClinVar (database versions not stated): gnomAD exomes 0.00001.

Submission:

Labcorp Genetics (formerly Invitae), Labcorp
Classification: Uncertain significance for Isolated microphthalmia 6. Last evaluated: 2021-05-18. Review status: criteria provided, single submitter. Criteria: Invitae Variant Classification Sherloc (09022015). Collection method: clinical testing. Allele origin: germline.
Comment: This variant has not been reported in the literature in individuals with PRSS56-related conditions. The frequency data for this variant in the population databases is considered unreliable, as metrics indicate insufficient coverage at this position in the ExAC database. This sequence change replaces glutamic acid with lysine at codon 245 of the PRSS56 protein (p.Glu245Lys). The glutamic acid residue is highly conserved and there is a small physicochemical difference between glutamic acid and lysine. Algorithms developed to predict the effect of missense changes on protein structure and function are either unavailable or do not agree on the potential impact of this missense change (SIFT: "Deleterious"; PolyPhen-2: "Not Available"; Align-GVGD: "Class C0"). In summary, the available evidence is currently insufficient to determine the role of this variant in disease. Therefore, it has been classified as a Variant of Uncertain Significance.